The following is an entry in ClinVar:

ClinVar aggregate classification (germline): Uncertain significance (1 of 4 stars; one submission).

Conditions:
Inborn genetic diseases. Identifiers: MedGen C0950123, MeSH D030342.

Submission:

Ambry Genetics
Classification: Uncertain significance for Inborn genetic diseases. Last evaluated: 2025-06-08. Review status: criteria provided, single submitter. Criteria: Ambry Variant Classification Scheme 2023. Collection method: clinical testing. Allele origin: germline.
Comment: The p.G439A variant (also known as c.1316G>C), located in coding exon 12 of the ANKRD26 gene, results from a G to C substitution at nucleotide position 1316. The glycine at codon 439 is replaced by alanine, an amino acid with similar properties. This amino acid position is conserved. In addition, this alteration is predicted to be tolerated by in silico analysis. Based on the available evidence, the clinical significance of this variant remains unclear.

NM_014915.3(ANKRD26):c.1316G>C (p.Gly439Ala)

Gene: ANKRD26 (ankyrin repeat domain containing 26; minus strand). Cytogenetic location: 10p12.1.
Variant type: single nucleotide variant.
Coding change: c.1316G>C on transcript NM_014915.3 (MANE Select); coding-DNA position 1316, G replaced by C.
Protein change: p.Gly439Ala; replaces glycine 439 with alanine.
Molecular consequence: missense variant.
Genome position (GRCh38, 1-based): chr10:27,064,035, C>G on the plus strand (G>C on the coding strand, the complement: ANKRD26 is on the minus strand). VCF-style: chr10-27064035-C-G. GRCh37 (hg19) VCF-style: chr10-27352964-C-G.
Other names: c.1316G>C, p.Gly439Ala (NM_001256053.2); short protein forms G439A.
Identifiers: ClinVar variation 3915207 (VCV003915207.1).